The following is an entry in ClinVar:

NM_001256864.2(DNAJC6):c.1709C>T (p.Pro570Leu)

Gene: DNAJC6 (DnaJ heat shock protein family (Hsp40) member C6; plus strand). Cytogenetic location: 1p31.3.
Variant type: single nucleotide variant.
Coding change: c.1709C>T on transcript NM_001256864.2 (MANE Select); coding-DNA position 1709, C replaced by T.
Protein change: p.Pro570Leu; replaces proline 570 with leucine.
Molecular consequence: missense variant.
Genome position (GRCh38, 1-based): chr1:65,392,671, C>T. VCF-style: chr1-65392671-C-T. GRCh37 (hg19) VCF-style: chr1-65858354-C-T.
Other names: c.1499C>T, p.Pro500Leu (NM_001256865.2); c.1538C>T, p.Pro513Leu (NM_014787.4); short protein forms P500L, P570L, P513L.
Identifiers: ClinVar variation 1414996 (VCV001414996.5), dbSNP rs751850074, ClinGen allele CA893979.

ClinVar aggregate classification (germline): Uncertain significance (1 of 4 stars; one submission).

Conditions:
Juvenile onset Parkinson disease 19A. Also called: DNAJC6 Parkinson Disease; PARK19. Identifiers: Orphanet 391411, MedGen C3809811, MONDO:0014231, OMIM 615528.

Allele frequency attached by ClinVar (database versions not stated): gnomAD 0.00002; gnomAD exomes 0.00003 and 0.00005; TOPMed 0.00003; ExAC 0.00006.
gnomAD v4.1: 54 of 1,612,538 alleles (0.0033%); highest among the groups gnomAD compares: Middle Eastern, 0.033%; no homozygotes.

Submission:

Labcorp Genetics (formerly Invitae), Labcorp
Classification: Uncertain significance for Juvenile onset Parkinson disease 19A. Last evaluated: 2021-08-27. Review status: criteria provided, single submitter. Criteria: Invitae Variant Classification Sherloc (09022015). Collection method: clinical testing. Allele origin: germline.
Comment: This sequence change replaces proline with leucine at codon 570 of the DNAJC6 protein (p.Pro570Leu). The proline residue is moderately conserved and there is a moderate physicochemical difference between proline and leucine. This variant is present in population databases (rs751850074, ExAC 0.009%). This variant has not been reported in the literature in individuals affected with DNAJC6-related conditions. Algorithms developed to predict the effect of missense changes on protein structure and function are either unavailable or do not agree on the potential impact of this missense change (SIFT: "Deleterious"; PolyPhen-2: "Benign"; Align-GVGD: "Class C0"). In summary, the available evidence is currently insufficient to determine the role of this variant in disease. Therefore, it has been classified as a Variant of Uncertain Significance.